The following is an entry in ClinVar:

ClinVar aggregate classification (germline): Likely pathogenic (1 of 4 stars; one submission).

Conditions:
Pseudopseudohypoparathyroidism (PPHP). Also called: ALBRIGHT HEREDITARY OSTEODYSTROPHY WITHOUT MULTIPLE HORMONE RESISTANCE; Pseudopseudohypoparathyroidism (PPHP). Identifiers: Orphanet 79445, MedGen C0033835, MONDO:0012912, OMIM 612463.
Pseudohypoparathyroidism type 1C (PHP1C). Also called: PSEUDOHYPOPARATHYROIDISM, TYPE IC; Pseudohypoparathyroidism Ic (PHP-Ic); PHP IC. Identifiers: Orphanet 79444, MedGen C2932716, MONDO:0012911, OMIM 612462.
Pseudohypoparathyroidism type 1B (PHP1B). Also called: Pseudohypoparathyroidism Type IB; Pseudohypoparathyroidism Ib (PHP-Ib); PHP IB. Identifiers: Orphanet 94089, MedGen C1864100, MONDO:0011301, OMIM 603233.
Progressive osseous heteroplasia (POH). Also called: Osteoma cutis; Progressive Osseus Heteroplasia (POH); Osseus Heteroplasia, Progressive; ECTOPIC OSSIFICATION, FAMILIAL. Identifiers: Orphanet 2762, MedGen C0334041, MONDO:0008153, OMIM 166350, HP:0025027.
Pseudohypoparathyroidism type I A (PHP1A). Also called: Pseudohypoparathyroidism Ia (PHP-Ia); Pseudohypoparathyroidism Type IA; ALBRIGHT HEREDITARY OSTEODYSTROPHY WITH MULTIPLE HORMONE RESISTANCE; PHP IA; Pseudohypoparathyroidism type 1A. Identifiers: Orphanet 79443, MedGen C3494506, MONDO:0007078, OMIM 103580.

Submission:

Greenwood Genetic Center Diagnostic Laboratories, Greenwood Genetic Center
Classification: Likely pathogenic for Progressive osseous heteroplasia; Pseudohypoparathyroidism type I A; Pseudohypoparathyroidism type 1B; Pseudohypoparathyroidism type 1C; Pseudopseudohypoparathyroidism. Last evaluated: 2021-09-07. Review status: criteria provided, single submitter. Criteria: ACMG Guidelines, 2015. Collection method: clinical testing. Allele origin: germline. Affected: yes.
Comment: PVS1, PM2

NM_000516.7(GNAS):c.124dup (p.Arg42fs)

Gene: GNAS (GNAS complex locus; plus strand). Cytogenetic location: 20q13.32.
Variant type: Duplication.
Coding change: c.124dup on transcript NM_000516.7 (MANE Select); coding-DNA position 124, one base duplicated (C; older notation c.124dupC).
Protein change: p.Arg42fs; shifts the reading frame from arginine 42.
Molecular consequence: frameshift variant. On other transcripts: intron variant (6).
Genome position (GRCh38, 1-based): chr20:58,891,850, C duplicated; the last of 2 consecutive C bases (chr20:58,891,849-58,891,850); duplicating either gives the same sequence. VCF-style (leftmost placement, unchanged base first): chr20-58891848-A-AC. GRCh37 (hg19) VCF-style: chr20-57466903-A-AC.
Other names: c.124dup, p.Arg42fs (NM_001077488.5, NM_001077489.4, NM_001309842.2 and 1 more transcripts); c.*43-3762dup (NM_016592.5); c.-38-3762dup (NM_001309861.2); c.*1-3762dup (NM_001077490.3); c.2069-3762dup (NM_080425.4); c.*159-3762dup (NM_001309883.1); c.-39+2497dup (NM_001309840.2); short protein forms R42fs.
Identifiers: ClinVar variation 1334571 (VCV001334571.4), dbSNP rs2145916852, ClinGen allele CA2573054890.